The following is an entry in ClinVar:

NM_173354.5(SIK1):c.521A>T (p.Tyr174Phe)

Gene: SIK1 (salt inducible kinase 1; minus strand). Cytogenetic location: 21q22.3.
Variant type: single nucleotide variant.
Coding change: c.521A>T on transcript NM_173354.5 (MANE Select); coding-DNA position 521, A replaced by T.
Protein change: p.Tyr174Phe; replaces tyrosine 174 with phenylalanine.
Molecular consequence: missense variant.
Genome position (GRCh38, 1-based): chr21:43,421,346, T>A on the plus strand (A>T on the coding strand, the complement: SIK1 is on the minus strand). VCF-style: chr21-43421346-T-A. GRCh37 (hg19) VCF-style: chr21-44841226-T-A.
Other names: short protein forms Y174F.
Identifiers: ClinVar variation 1398948 (VCV001398948.6), dbSNP rs1243837400, ClinGen allele CA410609998.
Genomic context (GRCh38, chr21:43,421,346, plus strand): 5'-ACTTCCGGGGCGGCATACGGGGGGCTCCCACACCACGTGGACAGAGGCTCTCCTGACTTG[T>A]AGAAATTCCCAAATCCAAAATCTGAGCGGCAAAGAAACAGATGGATGAGGTTAAACGGCA-3'
Protein context (NP_775490.2, residues 164-184): KLADFGFGNF[Tyr174Phe]KSGEPLSTWC

ClinVar aggregate classification (germline): Uncertain significance (1 of 4 stars; one submission).

Conditions:
Developmental and epileptic encephalopathy, 30 (DEE30). Also called: Epileptic encephalopathy, early infantile, 30. Identifiers: MedGen C4225360, MONDO:0014595, OMIM 616341.

Submission:

Labcorp Genetics (formerly Invitae), Labcorp
Classification: Uncertain significance for Developmental and epileptic encephalopathy, 30. Last evaluated: 2024-10-23. Review status: criteria provided, single submitter. Criteria: Invitae Variant Classification Sherloc (09022015). Collection method: clinical testing. Allele origin: germline.
Comment: This sequence change replaces tyrosine, which is neutral and polar, with phenylalanine, which is neutral and non-polar, at codon 174 of the SIK1 protein (p.Tyr174Phe). This variant is present in population databases (no rsID available, gnomAD 0.0009%). This variant has not been reported in the literature in individuals affected with SIK1-related conditions. ClinVar contains an entry for this variant (Variation ID: 1398948). Invitae Evidence Modeling of protein sequence and biophysical properties (such as structural, functional, and spatial information, amino acid conservation, physicochemical variation, residue mobility, and thermodynamic stability) indicates that this missense variant is not expected to disrupt SIK1 protein function with a negative predictive value of 95%. In summary, the available evidence is currently insufficient to determine the role of this variant in disease. Therefore, it has been classified as a Variant of Uncertain Significance.